The following is an entry in ClinVar:

ClinVar aggregate classification (germline): Benign (1 of 4 stars; one submission).

Conditions:
Papillary renal cell carcinoma type 1 (RCCP1). Also called: Renal adenocarcinoma; Renal cell carcinoma 1; Renal cell carcinoma, somatic; RENAL CELL CARCINOMA, PAPILLARY, 1, SOMATIC. Identifiers: Orphanet 47044, MedGen C1336839, OMIM 605074, HP:0011797.

Submission:

Myriad Genetics, Inc.
Classification: Benign for Papillary renal cell carcinoma type 1. Last evaluated: 2024-11-07. Review status: criteria provided, single submitter. Criteria: Myriad Autosomal Dominant, Autosomal Recessive and X-Linked Classification Criteria (2023). Collection method: clinical testing. Allele origin: unknown.
Comment: This variant is considered benign. This variant is a silent/synonymous amino acid change and it is not expected to impact splicing.

NM_000245.4(MET):c.1311C>A (p.Val437=)

Gene: MET (MET proto-oncogene, receptor tyrosine kinase; plus strand). Cytogenetic location: 7q31.2.
Variant type: single nucleotide variant.
Coding change: c.1311C>A on transcript NM_000245.4 (MANE Select); coding-DNA position 1311, C replaced by A.
Protein change: p.Val437=; no amino-acid change (valine 437 retained).
Molecular consequence: synonymous variant.
Genome position (GRCh38, 1-based): chr7:116,731,778, C>A. VCF-style: chr7-116731778-C-A. GRCh37 (hg19) VCF-style: chr7-116371832-C-A.
Other names: c.1311C>A, p.Val437= (NM_001127500.3, NM_001324401.3); c.21C>A, p.Val7= (NM_001324402.2).
Identifiers: ClinVar variation 3773381 (VCV003773381.1).